The following is an entry in ClinVar:

NM_000051.4(ATM):c.5961T>G (p.Ser1987=)

Genes: C11orf65 (chromosome 11 open reading frame 65; minus strand), ATM (ATM serine/threonine kinase; plus strand). Cytogenetic location: 11q22.3.
Variant type: single nucleotide variant.
Coding change: c.5961T>G on transcript NM_000051.4 (MANE Select); coding-DNA position 5961, T replaced by G.
Protein change: p.Ser1987=; no amino-acid change (serine 1987 retained).
Molecular consequence: synonymous variant. On other transcripts: intron variant (2).
Genome position (GRCh38, 1-based): chr11:108,312,453, T>G. VCF-style: chr11-108312453-T-G. GRCh37 (hg19) VCF-style: chr11-108183180-T-G.
Other names: c.5961T>G, p.Ser1987= (NM_001351834.2); c.641-3382A>C (NM_001330368.2); c.*39-3382A>C (NM_001351110.2).
Identifiers: ClinVar variation 414532 (VCV000414532.24), dbSNP rs1060504265, ClinGen allele CA16613165.

ClinVar aggregate classification (germline): Benign/Likely benign. Review status: criteria provided, multiple submitters, no conflicts (2 of 4 stars). 8 submissions from 8 submitters: Benign (2); Likely benign (6). Last evaluated 2025-08-25.

Conditions:
Hereditary cancer-predisposing syndrome. Also called: Neoplastic Syndromes, Hereditary; Hereditary Cancer Syndrome; Tumor predisposition; Hereditary neoplastic syndrome. Identifiers: Orphanet 140162, MedGen C0027672, MeSH D009386, MONDO:0015356.
Familial cancer of breast. Also called: Hereditary breast cancer; BREAST CANCER, FAMILIAL; hereditary breast carcinoma. Identifiers: Orphanet 227535, MedGen C0346153, MONDO:0016419, OMIM 114480. Disease mechanism: loss of function.
Ataxia-telangiectasia syndrome (AT). Also called: LOUIS-BAR SYNDROME; Cerebello-oculocutaneous telangiectasia; Immunodeficiency with ataxia telangiectasia; Ataxia-telangiectasia, complementation group D; AT, COMPLEMENTATION GROUP C; Ataxia-telangiectasia, complementation group E. Identifiers: Orphanet 100, MedGen C0004135, MONDO:0008840, OMIM 208900.

Allele frequency attached by ClinVar (database versions not stated): gnomAD exomes below 0.00001; TOPMed below 0.00001.
gnomAD v4.1: 9 of 1,597,160 alleles (0.00056%); highest among the groups gnomAD compares: Admixed American, 0.0017%; no homozygotes.

Submissions (8):

Labcorp Genetics (formerly Invitae), Labcorp
Classification: Likely benign for Ataxia-telangiectasia syndrome. Last evaluated: 2025-08-25. Review status: criteria provided, single submitter. Criteria: Invitae Variant Classification Sherloc (09022015). Collection method: clinical testing. Allele origin: germline.

Hereditary Cancer Laboratory, Hospital Universitario 12 de Octubre
Classification: Likely benign for Hereditary cancer-predisposing syndrome. Last evaluated: 2025-04-28. Review status: criteria provided, single submitter. Criteria: ACMG Guidelines, 2015. Collection method: clinical testing. Allele origin: germline.
Comment: PM2+BP4+BP6+BP7

Myriad Genetics, Inc.
Classification: Benign for Familial cancer of breast. Last evaluated: 2024-05-28. Review status: criteria provided, single submitter. Criteria: Myriad Autosomal Dominant, Autosomal Recessive and X-Linked Classification Criteria (2023). Collection method: clinical testing. Allele origin: unknown.
Comment: This variant is considered benign. This variant is a silent/synonymous amino acid change and it is not expected to impact splicing.

Sema4
Classification: Likely benign for Hereditary cancer-predisposing syndrome. Last evaluated: 2021-05-03. Review status: criteria provided, single submitter. Criteria: Sema4 Curation Guidelines. Collection method: curation. Allele origin: germline.

Women's Health and Genetics/Laboratory Corporation of America, LabCorp
Classification: Likely benign. Last evaluated: 2019-08-21. Review status: criteria provided, single submitter. Criteria: LabCorp Variant Classification Summary - May 2015. Collection method: clinical testing. Allele origin: germline.

Color Diagnostics, LLC DBA Color Health
Classification: Likely benign for Hereditary cancer-predisposing syndrome. Last evaluated: 2017-08-04. Review status: criteria provided, single submitter. Criteria: ACMG Guidelines, 2015. Collection method: clinical testing. Allele origin: germline.

Ambry Genetics
Classification: Likely benign for Hereditary cancer-predisposing syndrome. Last evaluated: 2016-03-22. Review status: criteria provided, single submitter. Criteria: Ambry Variant Classification Scheme 2023. Collection method: clinical testing. Allele origin: germline.

GeneDx
Classification: Benign. Last evaluated: 2015-07-06. Review status: criteria provided, single submitter. Criteria: GeneDx Variant Classification Process June 2021. Collection method: clinical testing. Allele origin: germline. Affected: yes.